The following is an entry in ClinVar:

ClinVar aggregate classification (germline): Uncertain significance (1 of 4 stars; one submission).

Conditions:
Hereditary cancer-predisposing syndrome. Also called: Neoplastic Syndromes, Hereditary; Tumor predisposition; Hereditary Cancer Syndrome; Hereditary neoplastic syndrome. Identifiers: Orphanet 140162, MedGen C0027672, MeSH D009386, MONDO:0015356.

Submission:

Ambry Genetics
Classification: Uncertain significance for Hereditary cancer-predisposing syndrome. Last evaluated: 2025-10-25. Review status: criteria provided, single submitter. Criteria: Ambry Variant Classification Scheme 2023. Collection method: clinical testing. Allele origin: germline.
Comment: The p.S151G variant (also known as c.451A>G), located in coding exon 4 of the EGFR gene, results from an A to G substitution at nucleotide position 451. The serine at codon 151 is replaced by glycine, an amino acid with similar properties. This amino acid position is conserved. In addition, this alteration is predicted to be tolerated by in silico analysis. Based on the available evidence, the clinical significance of this variant remains unclear.

NM_005228.5(EGFR):c.451A>G (p.Ser151Gly)

Gene: EGFR (epidermal growth factor receptor; plus strand). Cytogenetic location: 7p11.2.
Variant type: single nucleotide variant.
Coding change: c.451A>G on transcript NM_005228.5 (MANE Select); coding-DNA position 451, A replaced by G.
Protein change: p.Ser151Gly; replaces serine 151 with glycine.
Molecular consequence: missense variant. On other transcripts: intron variant (3).
Genome position (GRCh38, 1-based): chr7:55,146,632, A>G. VCF-style: chr7-55146632-A-G. GRCh37 (hg19) VCF-style: chr7-55214325-A-G.
Other names: c.451A>G, p.Ser151Gly (NM_001346898.2, NM_201282.2, NM_201283.2 and 1 more transcripts); c.292A>G, p.Ser98Gly (NM_001346900.2); c.424+3144A>G (NM_001346899.2, NM_001346897.2); c.89-9198A>G (NM_001346941.2); short protein forms S98G, S151G.
Identifiers: ClinVar variation 4639152 (VCV004639152.1).